The following is an entry in ClinVar:

ClinVar aggregate classification (germline): Benign/Likely benign. Review status: criteria provided, multiple submitters, no conflicts (2 of 4 stars). 3 submissions from 3 submitters: Benign (1); Likely benign (1). 1 of the submissions does not count toward it. Last evaluated 2025-09-04.

Conditions:
DLC1-related disorder. Also called: DLC1-related condition.

Allele frequency attached by ClinVar (database versions not stated): gnomAD exomes 0.00022; ExAC 0.00071; 1000 Genomes Project 30x 0.00156; 1000 Genomes Project 0.00160; gnomAD 0.00208; ESP Exome Variant Server 0.00231; TOPMed 0.00272.
gnomAD v4.1: 650 of 1,614,206 alleles (0.04%); highest among the groups gnomAD compares: African/African-American, 0.71%; 3 homozygotes.

Submissions (3):

Labcorp Genetics (formerly Invitae), Labcorp
Classification: Benign. Last evaluated: 2025-09-04. Review status: criteria provided, single submitter. Criteria: Invitae Variant Classification Sherloc (09022015). Collection method: clinical testing. Allele origin: germline.

Blueprint Genetics
Classification: Likely benign. Last evaluated: 2024-11-11. Review status: criteria provided, single submitter. Criteria: ACMG Guidelines, 2015. Collection method: clinical testing. Allele origin: germline.

PreventionGenetics, part of Exact Sciences
Classification: Benign for DLC1-related condition. Last evaluated: 2019-07-15. Review status: no assertion criteria provided. Collection method: clinical testing. Allele origin: germline. Not counted in ClinVar's aggregate classification.
Comment: This variant is classified as benign based on ACMG/AMP sequence variant interpretation guidelines (Richards et al. 2015 PMID: 25741868, with internal and published modifications).

NM_182643.3(DLC1):c.3979G>T (p.Asp1327Tyr)

Genes: DLC1 (DLC1 Rho GTPase activating protein; minus strand), LOC126860305 (MED14-independent group 3 enhancer GRCh37_chr8:12947375-12948574; plus strand). Cytogenetic location: 8p22.
Variant type: single nucleotide variant.
Coding change: c.3979G>T on transcript NM_182643.3 (MANE Select); coding-DNA position 3979, G replaced by T.
Protein change: p.Asp1327Tyr; replaces aspartic acid 1327 with tyrosine.
Molecular consequence: missense variant.
Genome position (GRCh38, 1-based): chr8:13,090,347, C>A on the plus strand (G>T on the coding strand, the complement: DLC1 is on the minus strand). VCF-style: chr8-13090347-C-A. GRCh37 (hg19) VCF-style: chr8-12947856-C-A.
Other names: c.3979G>T (NM_182643.2); c.2446G>T, p.Asp816Tyr (NM_001164271.2, NM_001348082.2, NM_001348083.1 and 6 more transcripts); c.2770G>T, p.Asp924Tyr (NM_001316668.2); c.3979G>T, p.Asp1327Tyr (NM_001348081.2, NM_001413124.1); c.2761G>T, p.Asp921Tyr (NM_001413130.1); c.2419G>T, p.Asp807Tyr (NM_001413131.1, NM_001413137.1); c.2905G>T, p.Asp969Tyr (NM_001413132.1); c.2668G>T, p.Asp890Tyr (NM_001413135.1, NM_001413139.1, NM_006094.5); and 1 more; short protein forms D807Y, D816Y, D969Y, D1327Y, D921Y, D924Y, D935Y, D890Y.
Identifiers: ClinVar variation 2065763 (VCV002065763.7), dbSNP rs61752025, ClinGen allele CA4638086.